The following is an entry in ClinVar:

ClinVar aggregate classification (germline): Benign (1 of 4 stars; one submission).

Conditions:
Vesicoureteral reflux 2 (VUR2). Identifiers: Orphanet 289365, MedGen C1970483, MONDO:0012573, OMIM 610878.

Allele frequency attached by ClinVar (database versions not stated): gnomAD 0.00001 and 0.00034; TOPMed 0.00005; 1000 Genomes Project 30x 0.00219; 1000 Genomes Project 0.00300.

Submission:

Illumina Laboratory Services, Illumina
Classification: Benign for Vesicoureteral reflux 2. Last evaluated: 2018-01-12. Review status: criteria provided, single submitter. Criteria: ICSL Variant Classification Criteria 13 December 2019. Collection method: clinical testing. Allele origin: germline.
Comment: This variant was observed in the ICSL laboratory as part of a predisposition screen in an ostensibly healthy population. It had not been previously curated by ICSL or reported in the Human Gene Mutation Database (HGMD: prior to June 1st, 2018), and was therefore a candidate for classification through an automated scoring system. Utilizing variant allele frequency, disease prevalence and penetrance estimates, and inheritance mode, an automated score was calculated to assess if this variant is too frequent to cause the disease. Based on the score and internal cut-off values, a variant classified as benign is not then subjected to further curation. The score for this variant resulted in a classification of benign for this disease.

NM_001395656.1(ROBO2):c.*2668T>G

Gene: ROBO2 (roundabout guidance receptor 2; plus strand). Cytogenetic location: 3p12.3.
Variant type: single nucleotide variant.
Coding change: c.*2668T>G on transcript NM_001395656.1 (MANE Select); 2668 bases downstream of the stop codon, T replaced by G.
Molecular consequence: 3 prime UTR variant.
Genome position (GRCh38, 1-based): chr3:77,648,723, T>G. VCF-style: chr3-77648723-T-G. GRCh37 (hg19) VCF-style: chr3-77697874-T-G.
Other names: c.*2668T>G (NM_001128929.3, NM_001290039.2, NM_001290040.2 and 14 more transcripts); c.*2665T>G (NM_001378194.1, NM_001378196.1, NM_001378199.1 and 3 more transcripts).
Identifiers: ClinVar variation 346752 (VCV000346752.6), dbSNP rs554356923, ClinGen allele CA10617488.